The following is an entry in ClinVar:

NM_001105206.3(LAMA4):c.547A>G (p.Thr183Ala)

Gene: LAMA4 (laminin subunit alpha 4; minus strand). Cytogenetic location: 6q21.
Variant type: single nucleotide variant.
Coding change: c.547A>G on transcript NM_001105206.3 (MANE Select); coding-DNA position 547, A replaced by G.
Protein change: p.Thr183Ala; replaces threonine 183 with alanine.
Molecular consequence: missense variant.
Genome position (GRCh38, 1-based): chr6:112,191,807, T>C on the plus strand (A>G on the coding strand, the complement: LAMA4 is on the minus strand). VCF-style: chr6-112191807-T-C. GRCh37 (hg19) VCF-style: chr6-112513009-T-C.
Other names: c.547A>G, p.Thr183Ala (NM_001105207.3, NM_002290.5); c.547A>G (LRG_433t2); short protein forms T183A.
Identifiers: ClinVar variation 519024 (VCV000519024.21), dbSNP rs782667094, ClinGen allele CA3966102.

ClinVar aggregate classification (germline): Uncertain significance. Review status: criteria provided, multiple submitters, no conflicts (2 of 4 stars). 5 submissions from 5 submitters: Uncertain significance (3). 2 of the submissions do not count toward it. Last evaluated 2026-07-22.

Conditions:
Cardiovascular phenotype. Identifiers: MedGen CN230736.
Dilated cardiomyopathy 1JJ (CMD1JJ). Identifiers: Orphanet 154, MedGen C3808935, MONDO:0014095, OMIM 615235.

Allele frequency attached by ClinVar (database versions not stated): gnomAD exomes 0.00002; ExAC 0.00003; TOPMed 0.00005; gnomAD 0.00006.
gnomAD v4.1: 250 of 1,613,998 alleles (0.015%); highest among the groups gnomAD compares: Non-Finnish European, 0.021%; no homozygotes.

Submissions (5):

GeneDx
Classification: Uncertain significance. Last evaluated: 2026-07-22. Review status: criteria provided, single submitter. Criteria: GeneDx Variant Classification Process June 2021. Collection method: clinical testing. Allele origin: germline.
Comment: Identified in a patient with left ventricular hypertrophy and diagnosis of Anderson-Fabry disease who also harbored pathogenic variants in GLA and MYBPC3 (PMID: 29415625); In silico analysis suggests that this missense variant does not alter protein structure/function; This variant is associated with the following publications: (PMID: 29415625)

Ambry Genetics
Classification: Uncertain significance for Cardiovascular phenotype. Last evaluated: 2025-11-22. Review status: criteria provided, single submitter. Criteria: Ambry Variant Classification Scheme 2023. Collection method: clinical testing. Allele origin: germline.
Comment: The p.T183A variant (also known as c.547A>G), located in coding exon 5 of the LAMA4 gene, results from an A to G substitution at nucleotide position 547. The threonine at codon 183 is replaced by alanine, an amino acid with similar properties. This amino acid position is not well conserved in available vertebrate species, and alanine is the reference amino acid in other vertebrate species. In addition, this alteration is predicted to be tolerated by in silico analysis. Since supporting evidence is limited at this time, the clinical significance of this alteration remains unclear.

Labcorp Genetics (formerly Invitae), Labcorp
Classification: Uncertain significance for Dilated cardiomyopathy 1JJ. Last evaluated: 2025-05-27. Review status: criteria provided, single submitter. Criteria: Invitae Variant Classification Sherloc (09022015). Collection method: clinical testing. Allele origin: germline.
Comment: This sequence change replaces threonine, which is neutral and polar, with alanine, which is neutral and non-polar, at codon 183 of the LAMA4 protein (p.Thr183Ala). This variant is present in population databases (rs782667094, gnomAD 0.005%). This variant has not been reported in the literature in individuals affected with LAMA4-related conditions. ClinVar contains an entry for this variant (Variation ID: 519024). An algorithm developed to predict the effect of missense changes on protein structure and function (PolyPhen-2) suggests that this variant is likely to be disruptive. In summary, the available evidence is currently insufficient to determine the role of this variant in disease. Therefore, it has been classified as a Variant of Uncertain Significance.

Diagnostic Laboratory, Department of Genetics, University Medical Center Groningen
Classification: Uncertain significance. Review status: no assertion criteria provided. Collection method: clinical testing. Allele origin: germline. Affected: yes. Study: VKGL Data-share Consensus. Not counted in ClinVar's aggregate classification.

Joint Genome Diagnostic Labs from Nijmegen and Maastricht, Radboudumc and MUMC+
Classification: Uncertain significance. Review status: no assertion criteria provided. Collection method: clinical testing. Allele origin: germline. Affected: yes. Study: VKGL Data-share Consensus. Not counted in ClinVar's aggregate classification.